The following is an entry in ClinVar:

NM_001845.6(COL4A1):c.2119A>G (p.Met707Val)

Gene: COL4A1 (collagen type IV alpha 1 chain; minus strand). Cytogenetic location: 13q34.
Variant type: single nucleotide variant.
Coding change: c.2119A>G on transcript NM_001845.6 (MANE Select); coding-DNA position 2119, A replaced by G.
Protein change: p.Met707Val; replaces methionine 707 with valine.
Molecular consequence: missense variant.
Genome position (GRCh38, 1-based): chr13:110,181,366, T>C on the plus strand (A>G on the coding strand, the complement: COL4A1 is on the minus strand). VCF-style: chr13-110181366-T-C. GRCh37 (hg19) VCF-style: chr13-110833713-T-C.
Other names: short protein forms M707V.
Identifiers: ClinVar variation 2278823 (VCV002278823.3), dbSNP rs753036227, ClinGen allele CA388668981.

ClinVar aggregate classification (germline): Conflicting classifications of pathogenicity. Review status: criteria provided, conflicting classifications (1 of 4 stars). 2 submissions from 2 submitters: Uncertain significance (1); Likely benign (1). Last evaluated 2026-01-22.

Conditions:
Inborn genetic diseases. Identifiers: MedGen C0950123, MeSH D030342.

Allele frequency attached by ClinVar (database versions not stated): gnomAD 0.00001.
gnomAD v4.1: 1 of 1,613,280 alleles (0.000062%); highest among the groups gnomAD compares: Non-Finnish European, 0.000085%; no homozygotes.

Submissions (2):

GeneDx
Classification: Uncertain significance. Last evaluated: 2026-01-22. Review status: criteria provided, single submitter. Criteria: GeneDx Variant Classification Process June 2021. Collection method: clinical testing. Allele origin: germline.
Comment: Not observed at significant frequency in large population cohorts (gnomAD); In silico analysis suggests that this missense variant does not alter protein structure/function; Has not been previously published as pathogenic or benign to our knowledge

Ambry Genetics
Classification: Likely benign for Inborn genetic diseases. Last evaluated: 2022-03-16. Review status: criteria provided, single submitter. Criteria: Ambry Variant Classification Scheme 2023. Collection method: clinical testing. Allele origin: germline.